The following is an entry in ClinVar:

ClinVar aggregate classification (germline): Likely benign. Review status: criteria provided, single submitter (1 of 4 stars). 2 submissions from 2 submitters: Likely benign (1). 1 of the submissions does not count toward it. Last evaluated 2022-12-01.

Conditions:
PALLD-related disorder. Also called: PALLD-related condition.

Allele frequency attached by ClinVar (database versions not stated): gnomAD exomes below 0.00001; TOPMed below 0.00001; gnomAD 0.00001; ExAC 0.00002.
gnomAD v4.1: 3 of 1,613,814 alleles (0.00019%); highest among the groups gnomAD compares: Admixed American, 0.0033%; no homozygotes.

Submissions (2):

Ambry Genetics
Classification: Likely benign. Last evaluated: 2022-12-01. Review status: criteria provided, single submitter. Criteria: Ambry Variant Classification Scheme 2023. Collection method: clinical testing. Allele origin: germline.

PreventionGenetics, part of Exact Sciences
Classification: Likely benign for PALLD-related condition. Last evaluated: 2023-07-28. Review status: no assertion criteria provided. Collection method: clinical testing. Allele origin: germline. Not counted in ClinVar's aggregate classification.
Comment: This variant is classified as likely benign based on ACMG/AMP sequence variant interpretation guidelines (Richards et al. 2015 PMID: 25741868, with internal and published modifications).

NM_001166108.2(PALLD):c.918T>C (p.Cys306=)

Gene: PALLD (palladin, cytoskeletal associated protein; plus strand). Cytogenetic location: 4q32.3.
Variant type: single nucleotide variant.
Coding change: c.918T>C on transcript NM_001166108.2 (MANE Select); coding-DNA position 918, T replaced by C.
Protein change: p.Cys306=; no amino-acid change (cysteine 306 retained).
Molecular consequence: synonymous variant. On other transcripts: 5 prime UTR variant (1).
Genome position (GRCh38, 1-based): chr4:168,668,199, T>C. VCF-style: chr4-168668199-T-C. GRCh37 (hg19) VCF-style: chr4-169589350-T-C.
Other names: c.-229T>C (NM_001166109.2); c.918T>C, p.Cys306= (NM_016081.4).
Identifiers: ClinVar variation 2447225 (VCV002447225.4), dbSNP rs750792344, ClinGen allele CA3135469.